The following is an entry in ClinVar:

ClinVar aggregate classification (germline): Uncertain significance. Review status: criteria provided, multiple submitters, no conflicts (2 of 4 stars). 2 submissions from 2 submitters: Uncertain significance (2). Last evaluated 2024-03-21.

Allele frequency attached by ClinVar (database versions not stated): gnomAD exomes below 0.00001 and 0.00001; TOPMed below 0.00001; gnomAD 0.00001.
gnomAD v4.1: 14 of 1,612,772 alleles (0.00087%); highest among the groups gnomAD compares: Non-Finnish European, 0.0012%; no homozygotes.

Submissions (2):

Labcorp Genetics (formerly Invitae), Labcorp
Classification: Uncertain significance. Last evaluated: 2024-03-21. Review status: criteria provided, single submitter. Criteria: Invitae Variant Classification Sherloc (09022015). Collection method: clinical testing. Allele origin: germline.
Comment: This sequence change replaces valine, which is neutral and non-polar, with methionine, which is neutral and non-polar, at codon 94 of the PRPF31 protein (p.Val94Met). The frequency data for this variant in the population databases is considered unreliable, as metrics indicate poor data quality at this position in the gnomAD database. This variant has not been reported in the literature in individuals affected with PRPF31-related conditions. ClinVar contains an entry for this variant (Variation ID: 1425973). An algorithm developed to predict the effect of missense changes on protein structure and function (PolyPhen-2) suggests that this variant is likely to be disruptive. In summary, the available evidence is currently insufficient to determine the role of this variant in disease. Therefore, it has been classified as a Variant of Uncertain Significance.

Blueprint Genetics
Classification: Uncertain significance. Last evaluated: 2022-11-23. Review status: criteria provided, single submitter. Criteria: ACMG Guidelines, 2015. Collection method: clinical testing. Allele origin: germline.

NM_015629.4(PRPF31):c.280G>A (p.Val94Met)

Genes: PRPF31 (pre-mRNA processing factor 31; plus strand), PRPF31-AS1 (PRPF31 antisense RNA 1; minus strand). Cytogenetic location: 19q13.42.
Variant type: single nucleotide variant.
Coding change: c.280G>A on transcript NM_015629.4 (MANE Select); coding-DNA position 280, G replaced by A.
Protein change: p.Val94Met; replaces valine 94 with methionine.
Molecular consequence: missense variant.
Genome position (GRCh38, 1-based): chr19:54,121,901, G>A. VCF-style: chr19-54121901-G-A. GRCh37 (hg19) VCF-style: chr19-54625280-G-A.
Other names: short protein forms V94M.
Identifiers: ClinVar variation 1425973 (VCV001425973.9), dbSNP rs1216526173, ClinGen allele CA407749275.